The following is an entry in ClinVar:

ClinVar aggregate classification (germline): Uncertain significance. Review status: criteria provided, multiple submitters, no conflicts (2 of 4 stars). 2 submissions from 2 submitters: Uncertain significance (2). Last evaluated 2021-07-14.

Conditions:
Familial adenomatous polyposis 1 (FAP1). Also called: FAMILIAL ADENOMATOUS POLYPOSIS 1, ATTENUATED; POLYPOSIS, ADENOMATOUS INTESTINAL. Identifiers: MedGen C2713442, MONDO:0021056, OMIM 175100. Disease mechanism: loss of function.

Allele frequency attached by ClinVar (database versions not stated): gnomAD exomes below 0.00001.
gnomAD v4.1: 1 of 1,614,010 alleles (0.000062%); highest among the groups gnomAD compares: Non-Finnish European, 0.000085%; no homozygotes.

Submissions (2):

Labcorp Genetics (formerly Invitae), Labcorp
Classification: Uncertain significance for Familial adenomatous polyposis 1. Last evaluated: 2021-07-14. Review status: criteria provided, single submitter. Criteria: Invitae Variant Classification Sherloc (09022015). Collection method: clinical testing. Allele origin: germline.
Comment: In summary, the available evidence is currently insufficient to determine the role of this variant in disease. Therefore, it has been classified as a Variant of Uncertain Significance. Algorithms developed to predict the effect of missense changes on protein structure and function (SIFT, PolyPhen-2, Align-GVGD) all suggest that this variant is likely to be tolerated, but these predictions have not been confirmed by published functional studies and their clinical significance is uncertain. This variant has not been reported in the literature in individuals with APC-related conditions. This variant is not present in population databases (ExAC no frequency). This sequence change replaces isoleucine with threonine at codon 1913 of the APC protein (p.Ile1913Thr). The isoleucine residue is weakly conserved and there is a moderate physicochemical difference between isoleucine and threonine.

Women's Health and Genetics/Laboratory Corporation of America, LabCorp
Classification: Uncertain significance. Last evaluated: 2019-11-29. Review status: criteria provided, single submitter. Criteria: LabCorp Variant Classification Summary - May 2015. Collection method: clinical testing. Allele origin: germline.
Comment: Variant summary: APC c.5738T>C (p.Ile1913Thr) results in a non-conservative amino acid change in the encoded protein sequence. Four of five in-silico tools predict a benign effect of the variant on protein function. The variant allele was found at a frequency of 4e-06 in 250258 control chromosomes. The available data on variant occurrences in the general population are insufficient to allow any conclusion about variant significance. To our knowledge, no occurrence of c.5738T>C in individuals affected with Familial Adenomatous Polyposis and no experimental evidence demonstrating its impact on protein function have been reported. No clinical diagnostic laboratories have submitted clinical-significance assessments for this variant to ClinVar after 2014. Based on the evidence outlined above, the variant was classified as uncertain significance.

NM_000038.6(APC):c.5738T>C (p.Ile1913Thr)

Gene: APC (APC regulator of Wnt signaling pathway; plus strand). Cytogenetic location: 5q22.2.
Variant type: single nucleotide variant.
Coding change: c.5738T>C on transcript NM_000038.6 (MANE Select); coding-DNA position 5738, T replaced by C.
Protein change: p.Ile1913Thr; replaces isoleucine 1913 with threonine.
Molecular consequence: missense variant.
Genome position (GRCh38, 1-based): chr5:112,841,332, T>C. VCF-style: chr5-112841332-T-C. GRCh37 (hg19) VCF-style: chr5-112177029-T-C.
Other names: c.5768T>C, p.Ile1923Thr (NM_001354897.2); c.5663T>C, p.Ile1888Thr (NM_001354898.2); c.5654T>C, p.Ile1885Thr (NM_001354899.2); c.5615T>C, p.Ile1872Thr (NM_001354900.2); c.5561T>C, p.Ile1854Thr (NM_001354901.2); c.5465T>C, p.Ile1822Thr (NM_001354902.2); c.5435T>C, p.Ile1812Thr (NM_001354903.2); c.5360T>C, p.Ile1787Thr (NM_001354904.2); and 5 more; short protein forms I1630T, I1753T, I1787T, I1812T, I1822T, I1854T, I1872T, I1885T.
Identifiers: ClinVar variation 928926 (VCV000928926.11), dbSNP rs1413246437, ClinGen allele CA16033894.